The following is an entry in ClinVar:

NM_001035.3(RYR2):c.13130C>T (p.Ser4377Leu)

Genes: RYR2 (ryanodine receptor 2; plus strand), LOC126806068 (BRD4-independent group 4 enhancer GRCh37_chr1:237947411-237948610; plus strand). Cytogenetic location: 1q43.
Variant type: single nucleotide variant.
Coding change: c.13130C>T on transcript NM_001035.3 (MANE Select); coding-DNA position 13130, C replaced by T.
Protein change: p.Ser4377Leu; replaces serine 4377 with leucine.
Molecular consequence: missense variant.
Genome position (GRCh38, 1-based): chr1:237,784,842, C>T. VCF-style: chr1-237784842-C-T. GRCh37 (hg19) VCF-style: chr1-237948142-C-T.
Other names: c.13130C>T, p.Ser4377Leu (LRG_402t1); short protein forms S4377L.
Identifiers: ClinVar variation 222795 (VCV000222795.16), dbSNP rs869025514, ClinGen allele CA353910.

ClinVar aggregate classification (germline): Uncertain significance. Review status: criteria provided, multiple submitters, no conflicts (2 of 4 stars). 3 submissions from 3 submitters: Uncertain significance (3). Last evaluated 2024-05-06.

Conditions:
Catecholaminergic polymorphic ventricular tachycardia 1. Also called: VENTRICULAR TACHYCARDIA, STRESS-INDUCED POLYMORPHIC 1; RYR2-Related Catecholaminergic Polymorphic Ventricular Tachycardia; VENTRICULAR TACHYCARDIA, CATECHOLAMINERGIC POLYMORPHIC, 1, WITH OR WITHOUT ATRIAL DYSFUNCTION AND/OR DILATED CARDIOMYOPATHY. Identifiers: Orphanet 3286, MedGen C1631597, MONDO:0011484, OMIM 604772.
Catecholaminergic polymorphic ventricular tachycardia (CVPT). Also called: Catecholamine-induced polymorphic ventricular tachycardia. Identifiers: Orphanet 3286, MedGen C5574922, MONDO:0017990.
Cardiomyopathy (CMYO). Also called: Cardiomyopathies. Identifiers: Orphanet 167848, MedGen C0878544, MONDO:0004994, HP:0001638. Inheritance: Various modes of inheritance.

Allele frequency attached by ClinVar (database versions not stated): gnomAD exomes below 0.00001; TOPMed below 0.00001.
gnomAD v4.1: 10 of 1,613,780 alleles (0.00062%); highest among the groups gnomAD compares: Non-Finnish European, 0.00085%; no homozygotes.

Submissions (3):

Labcorp Genetics (formerly Invitae), Labcorp
Classification: Uncertain significance for Catecholaminergic polymorphic ventricular tachycardia 1. Last evaluated: 2024-05-06. Review status: criteria provided, single submitter. Criteria: Invitae Variant Classification Sherloc (09022015). Collection method: clinical testing. Allele origin: germline.
Comment: This sequence change replaces serine, which is neutral and polar, with leucine, which is neutral and non-polar, at codon 4377 of the RYR2 protein (p.Ser4377Leu). This variant is present in population databases (no rsID available, gnomAD 0.0009%). This variant has not been reported in the literature in individuals affected with RYR2-related conditions. ClinVar contains an entry for this variant (Variation ID: 222795). Advanced modeling of protein sequence and biophysical properties (such as structural, functional, and spatial information, amino acid conservation, physicochemical variation, residue mobility, and thermodynamic stability) has been performed at Invitae for this missense variant, however the output from this modeling did not meet the statistical confidence thresholds required to predict the impact of this variant on RYR2 protein function. In summary, the available evidence is currently insufficient to determine the role of this variant in disease. Therefore, it has been classified as a Variant of Uncertain Significance.

All of Us Research Program, National Institutes of Health
Classification: Uncertain significance for Catecholaminergic polymorphic ventricular tachycardia. Last evaluated: 2023-12-13. Review status: criteria provided, single submitter. Criteria: ACMG Guidelines, 2015. Collection method: clinical testing. Allele origin: germline. Inheritance: Autosomal dominant inheritance. Observed: 2 variant alleles, 2 heterozygotes.
Comment: Variant of Uncertain Significance due to insufficient evidence: This variant missense is located in the C-terminal pore-forming region of the RYR1 protein. Computational prediction tools and conservation analyses suggest that this variant may have deleterious impact on the protein function. Computational splicing tools suggest that this variant may not impact the RNA splicing. To our knowledge, functional assays have not been performed for this variant nor has the variant been reported in individuals affected with cardiovascular disorders in the literature. This variant is rare in the general population and has been identified in 1/245406 chromosomes by the Genome Aggregation Database (gnomAD). Available evidence is insufficient to determine the pathogenicity of this variant conclusively.

This study involves interpretation of variants in research participants for the purpose of population health screening. Participant phenotype was not available at the time of variant classification. Additional details can be found in publication PMID: 35346344, PMCID: PMC8962531

Color Diagnostics, LLC DBA Color Health
Classification: Uncertain significance for Cardiomyopathy. Last evaluated: 2023-07-26. Review status: criteria provided, single submitter. Criteria: ACMG Guidelines, 2015. Collection method: clinical testing. Allele origin: germline.
Comment: This missense variant replaces serine with leucine at codon 4377 of the RYR2 protein. Computational prediction is inconclusive regarding the impact of this variant on protein structure and function (internally defined REVEL score threshold 0.5 < inconclusive < 0.7, PMID: 27666373). To our knowledge, functional studies have not been reported for this variant. This variant has not been reported in individuals affected with RYR2-related disorders in the literature. This variant has been identified in 1/248466 chromosomes in the general population by the Genome Aggregation Database (gnomAD). The available evidence is insufficient to determine the role of this variant in disease conclusively. Therefore, this variant is classified as a Variant of Uncertain Significance.